The following is an entry in ClinVar:

ClinVar aggregate classification (germline): Uncertain significance (1 of 4 stars; one submission).

Conditions:
Cardiovascular phenotype. Identifiers: MedGen CN230736.

Allele frequency attached by ClinVar (database versions not stated): TOPMed 0.00003.
gnomAD v4.1: 7 of 1,614,102 alleles (0.00043%); highest among the groups gnomAD compares: African/African-American, 0.0067%; no homozygotes.

Submission:

Ambry Genetics
Classification: Uncertain significance for Cardiovascular phenotype. Last evaluated: 2024-07-24. Review status: criteria provided, single submitter. Criteria: Ambry Variant Classification Scheme 2023. Collection method: clinical testing. Allele origin: germline.
Comment: The p.V535A variant (also known as c.1604T>C), located in coding exon 11 of the ABCG8 gene, results from a T to C substitution at nucleotide position 1604. The valine at codon 535 is replaced by alanine, an amino acid with similar properties. This amino acid position is conserved. In addition, this alteration is predicted to be tolerated by in silico analysis. Since supporting evidence is limited at this time, the clinical significance of this alteration remains unclear.

NM_022437.3(ABCG8):c.1604T>C (p.Val535Ala)

Gene: ABCG8 (ATP binding cassette subfamily G member 8; plus strand). Cytogenetic location: 2p21.
Variant type: single nucleotide variant.
Coding change: c.1604T>C on transcript NM_022437.3 (MANE Select); coding-DNA position 1604, T replaced by C.
Protein change: p.Val535Ala; replaces valine 535 with alanine.
Molecular consequence: missense variant.
Genome position (GRCh38, 1-based): chr2:43,875,261, T>C. VCF-style: chr2-43875261-T-C. GRCh37 (hg19) VCF-style: chr2-44102400-T-C.
Other names: c.1601T>C, p.Val534Ala (NM_001357321.2); short protein forms V535A, V534A.
Identifiers: ClinVar variation 1776243 (VCV001776243.3), dbSNP rs748122126, ClinGen allele CA1637555.